The following is an entry in ClinVar:

ClinVar aggregate classification (germline): Uncertain significance. Review status: criteria provided, multiple submitters, no conflicts (2 of 4 stars). 2 submissions from 2 submitters: Uncertain significance (2). Last evaluated 2023-11-20.

Allele frequency attached by ClinVar (database versions not stated): TOPMed 0.00004; gnomAD 0.00006 and 0.00007; gnomAD exomes 0.00006; 1000 Genomes Project 30x 0.00016; 1000 Genomes Project 0.00020.
gnomAD v4.1: 91 of 1,550,322 alleles (0.0059%); highest among the groups gnomAD compares: East Asian, 0.022%; no homozygotes.

Submissions (2):

Labcorp Genetics (formerly Invitae), Labcorp
Classification: Uncertain significance. Last evaluated: 2023-11-20. Review status: criteria provided, single submitter. Criteria: Invitae Variant Classification Sherloc (09022015). Collection method: clinical testing. Allele origin: germline.
Comment: This sequence change replaces arginine, which is basic and polar, with glutamine, which is neutral and polar, at codon 583 of the PDZD7 protein (p.Arg583Gln). This variant is present in population databases (rs539301115, gnomAD 0.05%). This variant has not been reported in the literature in individuals affected with PDZD7-related conditions. ClinVar contains an entry for this variant (Variation ID: 1041229). Experimental studies and prediction algorithms are not available or were not evaluated, and the functional significance of this variant is currently unknown. In summary, the available evidence is currently insufficient to determine the role of this variant in disease. Therefore, it has been classified as a Variant of Uncertain Significance.

Blueprint Genetics
Classification: Uncertain significance. Last evaluated: 2022-04-25. Review status: criteria provided, single submitter. Criteria: ACMG Guidelines, 2015. Collection method: clinical testing. Allele origin: germline.

NM_001195263.2(PDZD7):c.1748G>A (p.Arg583Gln)

Gene: PDZD7 (PDZ domain containing 7; minus strand). Cytogenetic location: 10q24.31.
Variant type: single nucleotide variant.
Coding change: c.1748G>A on transcript NM_001195263.2 (MANE Select); coding-DNA position 1748, G replaced by A.
Protein change: p.Arg583Gln; replaces arginine 583 with glutamine.
Molecular consequence: missense variant.
Genome position (GRCh38, 1-based): chr10:101,015,637, C>T on the plus strand (G>A on the coding strand, the complement: PDZD7 is on the minus strand). VCF-style: chr10-101015637-C-T. GRCh37 (hg19) VCF-style: chr10-102775394-C-T.
Other names: short protein forms R583Q.
Identifiers: ClinVar variation 1041229 (VCV001041229.9), dbSNP rs539301115, ClinGen allele CA212981925.